The following is an entry in ClinVar:

NM_024685.4(BBS10):c.445dup (p.Leu149fs)

Gene: BBS10 (Bardet-Biedl syndrome 10; minus strand). Cytogenetic location: 12q21.2.
Variant type: Duplication.
Coding change: c.445dup on transcript NM_024685.4 (MANE Select); coding-DNA position 445, one base duplicated (C; older notation c.445dupC).
Protein change: p.Leu149fs; shifts the reading frame from leucine 149.
Molecular consequence: frameshift variant.
Genome position (GRCh38, 1-based): chr12:76,347,540, G duplicated on the plus strand (C on the coding strand, the reverse complement: BBS10 is on the minus strand); the first of 2 consecutive G bases (chr12:76,347,540-76,347,541); duplicating either gives the same sequence. VCF-style (leftmost placement, unchanged base first): chr12-76347539-A-AG. GRCh37 (hg19) VCF-style: chr12-76741319-A-AG.
Other names: c.445dup (NM_024685.3); short protein forms L149fs.
Identifiers: ClinVar variation 661491 (VCV000661491.17), dbSNP rs770053320, ClinGen allele CA6694342.

ClinVar aggregate classification (germline): Conflicting classifications of pathogenicity. Review status: criteria provided, conflicting classifications (1 of 4 stars). 7 submissions from 7 submitters: Pathogenic (2); Likely pathogenic (4); Uncertain significance (1). Last evaluated 2025-03-24.

Conditions:
Bardet-Biedl syndrome 10 (BBS10). Identifiers: Orphanet 110, MedGen C1859568, MONDO:0014438, OMIM 615987.
Bardet-Biedl syndrome (BBS). Identifiers: Orphanet 110, MedGen C0752166, MONDO:0015229.
BBS10-related disorder. Also called: BBS10-related condition.

Submissions (7):

Labcorp Genetics (formerly Invitae), Labcorp
Classification: Pathogenic for Bardet-Biedl syndrome. Last evaluated: 2025-03-24. Review status: criteria provided, single submitter. Criteria: Invitae Variant Classification Sherloc (09022015). Collection method: clinical testing. Allele origin: germline.
Comment: This sequence change creates a premature translational stop signal (p.Leu149Profs*3) in the BBS10 gene. While this is not anticipated to result in nonsense mediated decay, it is expected to disrupt the last 575 amino acid(s) of the BBS10 protein. This variant is present in population databases (rs770053320, gnomAD 0.05%). This variant has not been reported in the literature in individuals affected with BBS10-related conditions. ClinVar contains an entry for this variant (Variation ID: 661491). This variant disrupts a region of the BBS10 protein in which other variant(s) (p.Val707*) have been determined to be pathogenic (PMID: 20472660, 22773737, 25982971, 27486776). This suggests that this is a clinically significant region of the protein, and that variants that disrupt it are likely to be disease-causing. For these reasons, this variant has been classified as Pathogenic.

SingHealth Duke-NUS Institute of Precision Medicine
Classification: Likely pathogenic for Bardet-Biedl syndrome 10. Last evaluated: 2025-02-05. Review status: criteria provided, single submitter. Criteria: PRISM ACMG Classification Criteria. Collection method: clinical testing. Allele origin: germline. Affected: yes.
Comment: Variant is expected to truncate >70% of BBS10 and causes LOF; LOF is a known disease mechanism for the protein (PVS1). Homozygous allele count in gnomAD exomes or genomes are less than 0 (PM2).

Fulgent Genetics
Classification: Likely pathogenic for Bardet-Biedl syndrome 10. Last evaluated: 2024-04-18. Review status: criteria provided, single submitter. Criteria: ACMG Guidelines, 2015. Collection method: clinical testing. Allele origin: germline.

Baylor Genetics
Classification: Pathogenic for Bardet-Biedl syndrome 10. Last evaluated: 2024-03-08. Review status: criteria provided, single submitter. Criteria: ACMG Guidelines, 2015. Collection method: clinical testing. Allele origin: unknown.

Revvity Omics, Revvity
Classification: Likely pathogenic for Bardet-Biedl syndrome 10. Last evaluated: 2023-07-13. Review status: criteria provided, single submitter. Criteria: ACMG Guidelines, 2015. Collection method: clinical testing. Allele origin: germline.

GeneDx
Classification: Uncertain significance. Last evaluated: 2023-07-07. Review status: criteria provided, single submitter. Criteria: GeneDx Variant Classification Process June 2021. Collection method: clinical testing. Allele origin: germline. Affected: yes.
Comment: Identified in a heterozygous state in a study looking at the carrier frequency of inherited retinal diseases (Hanany et al., 2020); Frameshift variant predicted to result in protein truncation as the last 575 amino acids are replaced with 2 different amino acids, and other loss-of-function variants have been reported downstream in HGMD; This variant is associated with the following publications: (PMID: 31964843)

Blueprint Genetics
Classification: Likely pathogenic for BBS10-related disorders. Last evaluated: 2023-02-14. Review status: criteria provided, single submitter. Criteria: ACMG Guidelines, 2015. Collection method: clinical testing. Allele origin: germline. Affected: yes. Observed: 2 variant alleles.

Literature cited by the submitters: PubMed 20472660 (cited by Labcorp Genetics (formerly Invitae), Labcorp); PubMed 22773737 (cited by Labcorp Genetics (formerly Invitae), Labcorp); PubMed 25982971 (cited by Labcorp Genetics (formerly Invitae), Labcorp); PubMed 27486776 (cited by Labcorp Genetics (formerly Invitae), Labcorp).